The following is an entry in ClinVar:

ClinVar aggregate classification (germline): Uncertain significance. Review status: criteria provided, multiple submitters, no conflicts (2 of 4 stars). 3 submissions from 3 submitters: Uncertain significance (3). Last evaluated 2026-07-01.

Conditions:
Breast-ovarian cancer, familial, susceptibility to, 4. Identifiers: Orphanet 145, MedGen C3280345, MONDO:0013669, OMIM 614291.
Hereditary breast ovarian cancer syndrome. Also called: Breast and ovarian cancer; Hereditary breast and ovarian cancer syndrome (HBOC); BRCA1- and BRCA2-Associated Hereditary Breast and Ovarian Cancer; Hereditary breast and ovarian cancer syndrome; Hereditary breast and ovarian cancer; Hereditary breast and/or ovarian cancer syndrome. Identifiers: Orphanet 145, MedGen C0677776, MeSH D061325, MONDO:0003582. Disease mechanism: loss of function.
Hereditary cancer-predisposing syndrome. Also called: Neoplastic Syndromes, Hereditary; Hereditary Cancer Syndrome; Hereditary neoplastic syndrome; Tumor predisposition. Identifiers: Orphanet 140162, MedGen C0027672, MeSH D009386, MONDO:0015356.

Submissions (3):

Ambry Genetics
Classification: Uncertain significance for Hereditary cancer-predisposing syndrome. Last evaluated: 2026-07-01. Review status: criteria provided, single submitter. Criteria: Ambry Variant Classification Scheme 2023. Collection method: clinical testing. Allele origin: germline.
Comment: The p.Y134C variant (also known as c.401A>G), located in coding exon 5 of the RAD51D gene, results from an A to G substitution at nucleotide position 401. The tyrosine at codon 134 is replaced by cysteine, an amino acid with highly dissimilar properties. This amino acid position is highly conserved in available vertebrate species. In addition, this alteration is predicted to be deleterious by in silico analysis. Based on the available evidence, the clinical significance of this variant remains unclear.

Institute of Human Genetics, University of Leipzig Medical Center
Classification: Uncertain significance for Breast-ovarian cancer, familial, susceptibility to, 4. Last evaluated: 2026-04-27. Review status: criteria provided, single submitter. Criteria: ACMG Guidelines, 2015. Collection method: clinical testing. Allele origin: unknown. Affected: yes.
Comment: Criteria applied: PP3,PM2_SUP

Mendelics
Classification: Uncertain significance for Hereditary breast and ovarian cancer syndrome. Last evaluated: 2018-07-02. Review status: criteria provided, single submitter. Criteria: Mendelics Assertion Criteria 2017. Collection method: clinical testing. Allele origin: unknown.

NM_002878.4(RAD51D):c.401A>G (p.Tyr134Cys)

Genes: RAD51D (RAD51 paralog D; minus strand), RAD51L3-RFFL (RAD51L3-RFFL readthrough; minus strand). Cytogenetic location: 17q12.
Variant type: single nucleotide variant.
Coding change: c.401A>G on transcript NM_002878.4 (MANE Select); coding-DNA position 401, A replaced by G.
Protein change: p.Tyr134Cys; replaces tyrosine 134 with cysteine.
Molecular consequence: missense variant. On other transcripts: non-coding transcript variant (1), intron variant (1).
Genome position (GRCh38, 1-based): chr17:35,107,067, T>C on the plus strand (A>G on the coding strand, the complement: RAD51D is on the minus strand). VCF-style: chr17-35107067-T-C. GRCh37 (hg19) VCF-style: chr17-33434086-T-C.
Other names: c.401A>G (NM_002878.3); c.461A>G, p.Tyr154Cys (NM_001142571.2); c.145-586A>G (NM_133629.3); short protein forms Y134C, Y154C.
Identifiers: ClinVar variation 584938 (VCV000584938.4), dbSNP rs1567728366, ClinGen allele CA399089297.